The following is an entry in ClinVar:

NC_000001.10:g.(?_216348574)_(216348844_?)del

Gene: USH2A (usherin; minus strand). Cytogenetic location: 1q41.
Variant type: Deletion.
Identifiers: ClinVar variation 2427762 (VCV002427762.2).

ClinVar aggregate classification (germline): Pathogenic (1 of 4 stars; one submission).

Submission:

Labcorp Genetics (formerly Invitae), Labcorp
Classification: Pathogenic. Last evaluated: 2022-09-27. Review status: criteria provided, single submitter. Criteria: Invitae Variant Classification Sherloc (09022015). Collection method: clinical testing. Allele origin: germline.
Comment: This variant is a gross deletion of the genomic region encompassing exon(s) 21 of the USH2A gene. This variant would be expected to be in-frame, preserving the integrity of the reading frame. This variant has not been reported in the literature in individuals affected with USH2A-related conditions. The region of the USH2A gene that includes exon(s) 21 has been determined to be clinically significant (PMID: 18273898, 27460420). Therefore, deletions that encompass that region are likely to be disease-causing. For these reasons, this variant has been classified as Pathogenic.

Literature cited by the submitters: PubMed 18273898; PubMed 27460420.